The following is an entry in ClinVar:

NM_001205293.3(CACNA1E):c.4117G>T (p.Gly1373Ter)

Gene: CACNA1E (calcium voltage-gated channel subunit alpha1 E; plus strand). Cytogenetic location: 1q25.3.
Variant type: single nucleotide variant.
Coding change: c.4117G>T on transcript NM_001205293.3 (MANE Select); coding-DNA position 4117, G replaced by T.
Protein change: p.Gly1373Ter; replaces glycine 1373 with a stop codon.
Molecular consequence: nonsense.
Genome position (GRCh38, 1-based): chr1:181,756,083, G>T. VCF-style: chr1-181756083-G-T. GRCh37 (hg19) VCF-style: chr1-181725219-G-T.
Other names: c.4117G>T, p.Gly1373Ter (NM_000721.4); c.4060G>T, p.Gly1354Ter (NM_001205294.2); short protein forms G1354*, G1373*.
Identifiers: ClinVar variation 1804336 (VCV001804336.2), dbSNP rs2528964120, ClinGen allele CA343624105.

ClinVar aggregate classification (germline): Uncertain significance (1 of 4 stars; one submission).

Submission:

GeneDx
Classification: Uncertain significance. Last evaluated: 2023-07-23. Review status: criteria provided, single submitter. Criteria: GeneDx Variant Classification Process June 2021. Collection method: clinical testing. Allele origin: germline.
Comment: Not observed at significant frequency in large population cohorts (gnomAD); Nonsense variant predicted to result in protein truncation or nonsense mediated decay in a gene or region of a gene for which loss of function is not a well-established mechanism of disease; Has not been previously published as pathogenic or benign to our knowledge